The following is an entry in ClinVar:

NM_001165963.4(SCN1A):c.4002+2501C>T

Genes: SCN1A (sodium voltage-gated channel alpha subunit 1; minus strand), LOC102724058 (uncharacterized LOC102724058; plus strand). Cytogenetic location: 2q24.3.
Variant type: single nucleotide variant.
Coding change: c.4002+2501C>T on transcript NM_001165963.4 (MANE Select); 2501 bases into the intron after coding-DNA position 4002, C replaced by T.
Molecular consequence: intron variant.
Genome position (GRCh38, 1-based): chr2:166,007,218, G>A on the plus strand (C>T on the coding strand, the complement: SCN1A is on the minus strand). VCF-style: chr2-166007218-G-A. GRCh37 (hg19) VCF-style: chr2-166863728-G-A.
Other names: c.3969+2501C>T (NM_001353949.2, NM_001353950.2, NM_001353951.2 and 2 more transcripts); c.3918+2501C>T (NM_001353958.2, NM_001353957.2, NM_001165964.3); c.4002+2501C>T (NM_001202435.3, NM_001353948.2); c.3966+2501C>T (NM_001353955.2, NM_001353954.2); c.3915+2501C>T (NM_001353960.2); c.1560+2501C>T (NM_001353961.2).
Identifiers: ClinVar variation 1992494 (VCV001992494.4), dbSNP rs1274294892, ClinGen allele CA1304846257.

ClinVar aggregate classification (germline): Uncertain significance (1 of 4 stars; one submission).

Conditions:
Early-infantile DEE. Also called: Ohtahara syndrome; Early infantile epileptic encephalopathy; Early infantile epileptic encephalopathy with suppression bursts. Identifiers: Orphanet 1934, MedGen C0393706, MONDO:0800491.

Submission:

Labcorp Genetics (formerly Invitae), Labcorp
Classification: Uncertain significance for Early-infantile DEE. Last evaluated: 2024-05-15. Review status: criteria provided, single submitter. Criteria: Invitae Variant Classification Sherloc (09022015). Collection method: clinical testing. Allele origin: germline.
Comment: This sequence change falls in intron 20 of the SCN1A gene. It does not directly change the encoded amino acid sequence of the SCN1A protein. However, this sequence change falls within a region encompassing a cryptic exon in the SCN1A gene, in which variants have been shown to alter splicing (PMID: 30526861, 34107977). This variant is not present in population databases (gnomAD no frequency). This variant has not been reported in the literature in individuals affected with SCN1A-related conditions. ClinVar contains an entry for this variant (Variation ID: 1992494). Algorithms developed to predict the effect of sequence changes on RNA splicing suggest that this variant is not likely to affect RNA splicing. In summary, the available evidence is currently insufficient to determine the role of this variant in disease. Therefore, it has been classified as a Variant of Uncertain Significance.

Literature cited by the submitters: PubMed 30526861; PubMed 34107977.